The following is an entry in ClinVar:

NM_000304.4(PMP22):c.418T>C (p.Trp140Arg)

Gene: PMP22 (peripheral myelin protein 22; minus strand). Cytogenetic location: 17p12.
Variant type: single nucleotide variant.
Coding change: c.418T>C on transcript NM_000304.4 (MANE Select); coding-DNA position 418, T replaced by C.
Protein change: p.Trp140Arg; replaces tryptophan 140 with arginine.
Molecular consequence: missense variant. On other transcripts: non-coding transcript variant (2).
Genome position (GRCh38, 1-based): chr17:15,230,982, A>G on the plus strand (T>C on the coding strand, the complement: PMP22 is on the minus strand). VCF-style: chr17-15230982-A-G. GRCh37 (hg19) VCF-style: chr17-15134299-A-G.
Other names: c.418T>C, p.Trp140Arg (NM_001281455.2, NM_001281456.2, NM_153321.3 and 1 more transcripts); short protein forms W140R.
Identifiers: ClinVar variation 448091 (VCV000448091.7), dbSNP rs1555564040, ClinGen allele CA398739582.

ClinVar aggregate classification (germline): Conflicting classifications of pathogenicity. Review status: criteria provided, conflicting classifications (1 of 4 stars). 3 submissions from 3 submitters: Likely pathogenic (1); Uncertain significance (2). Last evaluated 2022-11-07.

Conditions:
Charcot-Marie-Tooth disease, type I (CMT1). Also called: Charcot-Marie-Tooth disease type 1; Charcot-Marie-Tooth, Type 1. Identifiers: Orphanet 65753, MedGen C0751036, MONDO:0019011.

Submissions (3):

Labcorp Genetics (formerly Invitae), Labcorp
Classification: Likely pathogenic for Charcot-Marie-Tooth disease, type I. Last evaluated: 2022-11-07. Review status: criteria provided, single submitter. Criteria: Invitae Variant Classification Sherloc (09022015). Collection method: clinical testing. Allele origin: germline.
Comment: This sequence change replaces tryptophan, which is neutral and slightly polar, with arginine, which is basic and polar, at codon 140 of the PMP22 protein (p.Trp140Arg). In summary, the currently available evidence indicates that the variant is pathogenic, but additional data are needed to prove that conclusively. Therefore, this variant has been classified as Likely Pathogenic. This variant disrupts the p.Trp140 amino acid residue in PMP22. Other variant(s) that disrupt this residue have been determined to be pathogenic (PMID: 11545686; Invitae). This suggests that this residue is clinically significant, and that variants that disrupt this residue are likely to be disease-causing. Advanced modeling of protein sequence and biophysical properties (such as structural, functional, and spatial information, amino acid conservation, physicochemical variation, residue mobility, and thermodynamic stability) performed at Invitae indicates that this missense variant is expected to disrupt PMP22 protein function. ClinVar contains an entry for this variant (Variation ID: 448091). This missense change has been observed in individual(s) with Charcot-Marie-Tooth disease (PMID: 11545686). This variant is not present in population databases (gnomAD no frequency).

GeneDx
Classification: Uncertain significance. Last evaluated: 2018-05-23. Review status: criteria provided, single submitter. Criteria: GeneDx Variant Classification (06012015). Collection method: clinical testing. Allele origin: germline. Affected: yes.
Comment: A variant of uncertain significance has been identified in the PMP22 gene. The W140R variant has not been published as a pathogenic variant, nor has it been reported as a benign variant to our knowledge. This variant is not observed in large population cohorts (Lek et al., 2016). The W140R variant is a non-conservative amino acid substitution, which is likely to impact secondary protein structure as these residues differ in polarity, charge, size and/or other properties. In-silico analyses, including protein predictors and evolutionary conservation, support a deleterious effect. Therefore, based on the currently available information, it is unclear whether this variant is a pathogenic variant or a rare benign variant.

Athena Diagnostics
Classification: Uncertain significance. Last evaluated: 2016-10-12. Review status: criteria provided, single submitter. Criteria: Athena Diagnostics Criteria. Collection method: clinical testing. Allele origin: germline.

Literature cited by the submitters: PubMed 11545686 (cited by Labcorp Genetics (formerly Invitae), Labcorp and Athena Diagnostics).